The following is an entry in ClinVar:

NM_000264.5(PTCH1):c.3129C>G (p.Cys1043Trp)

Gene: PTCH1 (patched 1; minus strand). Cytogenetic location: 9q22.32.
Variant type: single nucleotide variant.
Coding change: c.3129C>G on transcript NM_000264.5 (MANE Select); coding-DNA position 3129, C replaced by G.
Protein change: p.Cys1043Trp; replaces cysteine 1043 with tryptophan.
Molecular consequence: missense variant. On other transcripts: non-coding transcript variant (1).
Genome position (GRCh38, 1-based): chr9:95,458,052, G>C on the plus strand (C>G on the coding strand, the complement: PTCH1 is on the minus strand). VCF-style: chr9-95458052-G-C. GRCh37 (hg19) VCF-style: chr9-98220334-G-C.
Other names: c.2931C>G, p.Cys977Trp (NM_001083602.3); c.3126C>G, p.Cys1042Trp (NM_001083603.3); c.2676C>G, p.Cys892Trp (NM_001083604.3, NM_001083605.3, NM_001083606.3 and 1 more transcripts); c.2973C>G, p.Cys991Trp (NM_001354918.2); short protein forms C892W, C991W, C977W, C1042W, C1043W.
Identifiers: ClinVar variation 1727922 (VCV001727922.3), dbSNP rs746220311, ClinGen allele CA374112327.

ClinVar aggregate classification (germline): Uncertain significance (1 of 4 stars; one submission).

Conditions:
Hereditary cancer-predisposing syndrome. Also called: Tumor predisposition; Neoplastic Syndromes, Hereditary; Hereditary Cancer Syndrome; Hereditary neoplastic syndrome. Identifiers: Orphanet 140162, MedGen C0027672, MeSH D009386, MONDO:0015356.

Allele frequency attached by ClinVar (database versions not stated): TOPMed below 0.00001.
gnomAD v4.1: 1 of 1,614,142 alleles (0.000062%); highest among the groups gnomAD compares: African/African-American, 0.0013%; no homozygotes.

Submission:

Ambry Genetics
Classification: Uncertain significance for Hereditary cancer-predisposing syndrome. Last evaluated: 2024-12-13. Review status: criteria provided, single submitter. Criteria: Ambry Variant Classification Scheme 2023. Collection method: clinical testing. Allele origin: germline.
Comment: The p.C1043W variant (also known as c.3129C>G), located in coding exon 18 of the PTCH1 gene, results from a C to G substitution at nucleotide position 3129. The cysteine at codon 1043 is replaced by tryptophan, an amino acid with highly dissimilar properties. This amino acid position is highly conserved in available vertebrate species. In addition, this alteration is predicted to be deleterious by in silico analysis. Since supporting evidence is limited at this time, the clinical significance of this alteration remains unclear.